The following is an entry in ClinVar:

NM_001364905.1(LRBA):c.3914G>A (p.Arg1305His)

Gene: LRBA (LPS responsive beige-like anchor protein; minus strand). Cytogenetic location: 4q31.3.
Variant type: single nucleotide variant.
Coding change: c.3914G>A on transcript NM_001364905.1 (MANE Select); coding-DNA position 3914, G replaced by A.
Protein change: p.Arg1305His; replaces arginine 1305 with histidine.
Molecular consequence: missense variant.
Genome position (GRCh38, 1-based): chr4:150,850,814, C>T on the plus strand (G>A on the coding strand, the complement: LRBA is on the minus strand). VCF-style: chr4-150850814-C-T. GRCh37 (hg19) VCF-style: chr4-151771966-C-T.
Other names: c.3914G>A, p.Arg1305His (NM_001199282.3, NM_001367550.1, NM_006726.5); short protein forms R1305H.
Identifiers: ClinVar variation 618200 (VCV000618200.20), dbSNP rs144754728, ClinGen allele CA3102952.

ClinVar aggregate classification (germline): Uncertain significance. Review status: criteria provided, multiple submitters, no conflicts (2 of 4 stars). 7 submissions from 7 submitters: Uncertain significance (6). 1 of the submissions does not count toward it. Last evaluated 2026-02-11.

Conditions:
LRBA-related disorder. Also called: LRBA-related condition.
Combined immunodeficiency due to LRBA deficiency. Also called: Common variable immunodeficiency 8, with autoimmunity. Identifiers: Orphanet 445018, MedGen C3553512, MONDO:0013863, OMIM 614700.

Allele frequency attached by ClinVar (database versions not stated): ESP Exome Variant Server 0.00015; TOPMed 0.00017; gnomAD 0.00019; 1000 Genomes Project 30x 0.00031.
gnomAD v4.1: 173 of 1,613,616 alleles (0.011%); highest among the groups gnomAD compares: Middle Eastern, 0.066%; no homozygotes.

Submissions (7):

Women's Health and Genetics/Laboratory Corporation of America, LabCorp
Classification: Uncertain significance. Last evaluated: 2026-02-11. Review status: criteria provided, single submitter. Criteria: LabCorp Variant Classification Summary - May 2015. Collection method: clinical testing. Allele origin: germline.
Comment: Variant summary: LRBA c.3914G>A (p.Arg1305His) results in a non-conservative amino acid change in the encoded protein sequence. Algorithms developed to predict the effect of missense changes on protein structure and function all suggest that this variant is likely to be disruptive. The observed variant frequency within Ashkenazi Jewish control individuals in the gnomAD database exceeds the estimated maximal expected allele frequency for disease-causing variants in LRBA. c.3914G>A has been observed in individuals with features of LRBA deficiency and/or primary immunodeficiency (Maffucci_2016, Simon_2020, Ollech_2023, Tesch_2020). These report(s) do not provide unequivocal conclusions about association of the variant with Combined immunodeficiency due to LRBA deficiency. To our knowledge, no experimental evidence demonstrating an impact on protein function has been reported. The following publications have been ascertained in the context of this evaluation (PMID: 27379089, 32135276, 36950172, 31887391). ClinVar contains an entry for this variant (Variation ID: 618200). Based on the evidence outlined above, the variant was classified as uncertain significance.

Labcorp Genetics (formerly Invitae), Labcorp
Classification: Uncertain significance for Combined immunodeficiency due to LRBA deficiency. Last evaluated: 2025-01-06. Review status: criteria provided, single submitter. Criteria: Invitae Variant Classification Sherloc (09022015). Collection method: clinical testing. Allele origin: germline.
Comment: This sequence change replaces arginine, which is basic and polar, with histidine, which is basic and polar, at codon 1305 of the LRBA protein (p.Arg1305His). This variant is present in population databases (rs144754728, gnomAD 0.1%). This missense change has been observed in individual(s) with clinical features of LRBA deficiency and/or primary immunodeficiency (PMID: 27379089, 31887391, 32135276). ClinVar contains an entry for this variant (Variation ID: 618200). Invitae Evidence Modeling of protein sequence and biophysical properties (such as structural, functional, and spatial information, amino acid conservation, physicochemical variation, residue mobility, and thermodynamic stability) indicates that this missense variant is not expected to disrupt LRBA protein function with a negative predictive value of 80%. In summary, the available evidence is currently insufficient to determine the role of this variant in disease. Therefore, it has been classified as a Variant of Uncertain Significance.

Blueprint Genetics
Classification: Uncertain significance. Last evaluated: 2024-05-21. Review status: criteria provided, single submitter. Criteria: ACMG Guidelines, 2015. Collection method: clinical testing. Allele origin: germline.

Department of Pathology and Laboratory Medicine, Sinai Health System
Classification: Uncertain significance for Combined immunodeficiency due to LRBA deficiency. Last evaluated: 2021-09-11. Review status: criteria provided, single submitter. Criteria: ACMG Guidelines, 2015. Collection method: research. Allele origin: germline.

ARUP Laboratories, Molecular Genetics and Genomics, ARUP Laboratories
Classification: Uncertain significance. Last evaluated: 2017-10-31. Review status: criteria provided, single submitter. Criteria: ARUP Molecular Germline Variant Investigation Process. Collection method: clinical testing. Allele origin: germline.
Comment: The p.Arg1305His variant (rs144754728) has been reported in a heterozygous state in three individuals in a cohort of primary immunodeficiency patients undergoing whole exome sequencing; however, inheritance and specific clinical information were not reported for these individuals (Maffucci 2016). The p.Arg1305His variant is also listed in the Genome Aggregation Database (gnomAD) browser with an allele frequency of 0.14% in the Ashkenazi Jewish population (identified in 14 out of 10,146 chromosomes). The arginine at codon 1305 is highly conserved considering 13 species up to C. elegans (Alamut software v2.10.0), and computational analyses predict that this variant does affect the structure/function of the LRBA protein (SIFT: damaging, PolyPhen2: probably damaging, MutationTaster: disease causing). However, based on the available information, the clinical significance of the p.Arg1305His variant cannot be determined with certainty.

Breakthrough Genomics
Classification: Uncertain significance. Review status: criteria provided, single submitter. Criteria: ACMG Guidelines, 2015. Collection method: not provided. Allele origin: germline. Inheritance: Autosomal recessive inheritance. Affected: yes.

PreventionGenetics, part of Exact Sciences
Classification: Uncertain significance for LRBA-related condition. Last evaluated: 2024-04-14. Review status: no assertion criteria provided. Collection method: clinical testing. Allele origin: germline. Not counted in ClinVar's aggregate classification.
Comment: The LRBA c.3914G>A variant is predicted to result in the amino acid substitution p.Arg1305His. This variant was reported in two individuals with primary immunodeficiency phenotypes (Simon et al. 2020. PubMed ID: 32135276; Tesch VK et al. 2019. PubMed ID: 31887391) and one study found that the LRBA c.3914C>T (p.Arg1305His) variant reduced protein expression (Tesch VK et al. 2019. PubMed ID: 31887391). This variant is reported in 0.13% of alleles in individuals of Ashkenazi Jewish descent in gnomAD, which is more common than other known or suspected pathogenic variants in LRBA. At this time, the clinical significance of this variant is uncertain due to the absence of conclusive functional and genetic evidence.

Literature cited by the submitters: PubMed 27379089 (cited by Women's Health and Genetics/Laboratory Corporation of America, LabCorp and Labcorp Genetics (formerly Invitae), Labcorp); PubMed 32135276 (cited by Women's Health and Genetics/Laboratory Corporation of America, LabCorp and Labcorp Genetics (formerly Invitae), Labcorp); PubMed 36950172 (cited by Women's Health and Genetics/Laboratory Corporation of America, LabCorp); PubMed 31887391 (cited by Women's Health and Genetics/Laboratory Corporation of America, LabCorp and Labcorp Genetics (formerly Invitae), Labcorp).